The following is an entry in ClinVar:

NM_000553.6(WRN):c.1195G>A (p.Glu399Lys)

Gene: WRN (WRN RecQ like helicase; plus strand). Cytogenetic location: 8p12.
Variant type: single nucleotide variant.
Coding change: c.1195G>A on transcript NM_000553.6 (MANE Select); coding-DNA position 1195, G replaced by A.
Protein change: p.Glu399Lys; replaces glutamic acid 399 with lysine.
Molecular consequence: missense variant.
Genome position (GRCh38, 1-based): chr8:31,081,222, G>A. VCF-style: chr8-31081222-G-A. GRCh37 (hg19) VCF-style: chr8-30938738-G-A.
Other names: short protein forms E399K.
Identifiers: ClinVar variation 2818904 (VCV002818904.3), dbSNP rs1487292951, ClinGen allele CA370921198.

ClinVar aggregate classification (germline): Uncertain significance (1 of 4 stars; one submission).

Conditions:
Werner syndrome (WRN). Identifiers: Orphanet 902, MedGen C0043119, MONDO:0010196, OMIM 277700.

Submission:

Labcorp Genetics (formerly Invitae), Labcorp
Classification: Uncertain significance for Werner syndrome. Last evaluated: 2023-11-03. Review status: criteria provided, single submitter. Criteria: Invitae Variant Classification Sherloc (09022015). Collection method: clinical testing. Allele origin: germline.
Comment: This sequence change replaces glutamic acid, which is acidic and polar, with lysine, which is basic and polar, at codon 399 of the WRN protein (p.Glu399Lys). This variant is not present in population databases (gnomAD no frequency). This variant has not been reported in the literature in individuals affected with WRN-related conditions. An algorithm developed to predict the effect of missense changes on protein structure and function (PolyPhen-2) suggests that this variant is likely to be disruptive. In summary, the available evidence is currently insufficient to determine the role of this variant in disease. Therefore, it has been classified as a Variant of Uncertain Significance.